The following is an entry in ClinVar:

ClinVar aggregate classification (germline): Conflicting classifications of pathogenicity. Review status: criteria provided, conflicting classifications (1 of 4 stars). 5 submissions from 4 submitters: Uncertain significance (1); Benign (1); Likely benign (2). 1 of the submissions does not count toward it. Last evaluated 2025-09-15.

Conditions:
Retinitis pigmentosa (RP). Identifiers: Orphanet 791, MedGen C0035334, MeSH D012174, MONDO:0019200, OMIM 268000. Inheritance: Autosomal dominant, autosomal recessive and X linked inheritance.
Congenital stationary night blindness autosomal dominant 2. Also called: NIGHT BLINDNESS, CONGENITAL STATIONARY, RAMBUSCH TYPE. Identifiers: Orphanet 215, MedGen C1876182, MONDO:0008099, OMIM 163500.
High myopia. Also called: Severe Myopia. Identifiers: MedGen C0271183, HP:0011003.

Allele frequency attached by ClinVar (database versions not stated): gnomAD 0.00001 and 0.00005; TOPMed 0.00002; 1000 Genomes Project 30x 0.00016; 1000 Genomes Project 0.00020; ExAC 0.00024.
gnomAD v4.1: 161 of 1,613,214 alleles (0.01%); highest among the groups gnomAD compares: South Asian, 0.16%; 3 homozygotes.

Submissions (5):

Labcorp Genetics (formerly Invitae), Labcorp
Classification: Likely benign. Last evaluated: 2025-09-15. Review status: criteria provided, single submitter. Criteria: Invitae Variant Classification Sherloc (09022015). Collection method: clinical testing. Allele origin: germline.

Blueprint Genetics
Classification: Likely benign. Last evaluated: 2024-08-11. Review status: criteria provided, single submitter. Criteria: ACMG Guidelines, 2015. Collection method: clinical testing. Allele origin: germline.

Illumina Laboratory Services, Illumina
Classification: Benign for Congenital stationary night blindness autosomal dominant 2. Last evaluated: 2018-01-13. Review status: criteria provided, single submitter. Criteria: ICSL Variant Classification Criteria 13 December 2019. Collection method: clinical testing. Allele origin: germline.
Comment: This variant was observed in the ICSL laboratory as part of a predisposition screen in an ostensibly healthy population. It had not been previously curated by ICSL or reported in the Human Gene Mutation Database (HGMD: prior to June 1st, 2018), and was therefore a candidate for classification through an automated scoring system. Utilizing variant allele frequency, disease prevalence and penetrance estimates, and inheritance mode, an automated score was calculated to assess if this variant is too frequent to cause the disease. Based on the score and internal cut-off values, a variant classified as benign is not then subjected to further curation. The score for this variant resulted in a classification of benign for this disease.

Illumina Laboratory Services, Illumina
Classification: Uncertain significance for Retinitis pigmentosa. Last evaluated: 2018-01-13. Review status: criteria provided, single submitter. Criteria: ICSL Variant Classification Criteria 13 December 2019. Collection method: clinical testing. Allele origin: germline.

Institute of Human Genetics, Polish Academy of Sciences
Classification: Uncertain significance for Severe Myopia. Last evaluated: 2018-12-17. Review status: no assertion criteria provided. Collection method: research. Allele origin: unknown. Affected: yes. Not counted in ClinVar's aggregate classification.

NM_000283.4(PDE6B):c.482G>A (p.Ser161Asn)

Gene: PDE6B (phosphodiesterase 6B; plus strand). Cytogenetic location: 4p16.3.
Variant type: single nucleotide variant.
Coding change: c.482G>A on transcript NM_000283.4 (MANE Select); coding-DNA position 482, G replaced by A.
Protein change: p.Ser161Asn; replaces serine 161 with asparagine.
Molecular consequence: missense variant.
Genome position (GRCh38, 1-based): chr4:634,690, G>A. VCF-style: chr4-634690-G-A. GRCh37 (hg19) VCF-style: chr4-628479-G-A.
Other names: c.482G>A, p.Ser161Asn (NM_001145291.2); short protein forms S161N.
Identifiers: ClinVar variation 349308 (VCV000349308.16), dbSNP rs574098823, ClinGen allele CA2793978.